The following is an entry in ClinVar:

ClinVar aggregate classification (germline): Uncertain significance (1 of 4 stars; one submission).

Submission:

Labcorp Genetics (formerly Invitae), Labcorp
Classification: Uncertain significance. Last evaluated: 2022-11-01. Review status: criteria provided, single submitter. Criteria: Invitae Variant Classification Sherloc (09022015). Collection method: clinical testing. Allele origin: germline.
Comment: This variant, c.1321_1323del, results in the deletion of 1 amino acid(s) of the CEP135 protein (p.Ser441del), but otherwise preserves the integrity of the reading frame. This variant is present in population databases (no rsID available, gnomAD 0.01%). This variant has not been reported in the literature in individuals affected with CEP135-related conditions. ClinVar contains an entry for this variant (Variation ID: 1414461). Experimental studies and prediction algorithms are not available or were not evaluated, and the functional significance of this variant is currently unknown. In summary, the available evidence is currently insufficient to determine the role of this variant in disease. Therefore, it has been classified as a Variant of Uncertain Significance.

NM_025009.5(CEP135):c.1321_1323del (p.Ser441del)

Gene: CEP135 (centrosomal protein 135; plus strand). Cytogenetic location: 4q12.
Variant type: Deletion.
Coding change: c.1321_1323del on transcript NM_025009.5 (MANE Select); coding-DNA positions 1321 to 1323, 3 bases deleted (TCT; older notation c.1321_1323delTCT).
Protein change: p.Ser441del; deletes serine 441.
Molecular consequence: inframe deletion.
Genome position (GRCh38, 1-based): chr4:55,974,817-55,974,819, TCT deleted; deleting any 3 consecutive bases within chr4:55,974,815-55,974,819 gives the same sequence; the c. name uses the placement nearest the transcript's 3' end. VCF-style (leftmost placement, unchanged base first): chr4-55974814-CCTT-C. GRCh37 (hg19) VCF-style: chr4-56840980-CCTT-C.
Other names: short protein forms S441del.
Identifiers: ClinVar variation 1414461 (VCV001414461.8), dbSNP rs1344981186, ClinGen allele CA551652232.